The following is an entry in ClinVar:

NC_000001.11:g.(?_17018881)_(17054019_?)dup

Gene: SDHB (succinate dehydrogenase complex iron sulfur subunit B; minus strand). Cytogenetic location: 1p36.13.
Variant type: Duplication.
Identifiers: ClinVar variation 832349 (VCV000832349.14).

ClinVar aggregate classification (germline): Uncertain significance (1 of 4 stars; one submission).

Conditions:
Pheochromocytoma/paraganglioma syndrome 4. Also called: CAROTID BODY TUMORS AND MULTIPLE EXTRAADRENAL PHEOCHROMOCYTOMAS; SDHB-Related Hereditary Paraganglioma-Pheochromocytoma Syndrome (Paragangliomas 4); SDHB-Related Hereditary Paraganglioma-Pheochromocytoma Syndrome; PARAGANGLIOMA, FAMILIAL MALIGNANT; PARAGANGLIOMAS, HEREDITARY EXTRAADRENAL; PHEOCHROMOCYTOMA, FAMILIAL EXTRAADRENAL. Identifiers: Orphanet 29072, MedGen C1861848, MONDO:0007273, OMIM 115310.
Gastrointestinal stromal tumor. Also called: Gastrointestinal stromal tumor, somatic; Gastrointestinal stroma tumor. Identifiers: Orphanet 44890, MedGen C0238198, MeSH D046152, MONDO:0011719, OMIM 606764, HP:0100723.
Pheochromocytoma. Also called: MAX-Related Hereditary Paraganglioma-Pheochromocytoma Syndrome. Identifiers: Orphanet 29072, MedGen C0031511, MONDO:0008233, OMIM 171300, HP:0002666.

Submission:

Labcorp Genetics (formerly Invitae), Labcorp
Classification: Uncertain significance for Gastrointestinal stromal tumor; Pheochromocytoma/paraganglioma syndrome 4; Pheochromocytoma. Last evaluated: 2022-10-20. Review status: criteria provided, single submitter. Criteria: Invitae Variant Classification Sherloc (09022015). Collection method: clinical testing. Allele origin: germline.
Comment: A copy number gain of the genomic region encompassing the full coding sequence of the SDHB gene has been identified. The boundaries of this event are unknown as they extend beyond the assayed region for this gene and therefore may encompass additional genes. As the precise location of this event is unknown, it may be in tandem or it may be located elsewhere in the genome. This variant has not been reported in the literature in individuals affected with SDHB-related conditions. Experimental studies and prediction algorithms are not available or were not evaluated, and the functional significance of this variant is currently unknown. In summary, the available evidence is currently insufficient to determine the role of this variant in disease. Therefore, it has been classified as a Variant of Uncertain Significance.